The following is an entry in ClinVar:

ClinVar aggregate classification (germline): Likely benign (0 of 4 stars; one submission).

Conditions:
ITGAV-related disorder. Also called: ITGAV-related condition.

Allele frequency attached by ClinVar (database versions not stated): gnomAD exomes 0.00002; ExAC 0.00009; ESP Exome Variant Server 0.00015; gnomAD 0.00030; TOPMed 0.00034; 1000 Genomes Project 30x 0.00047; 1000 Genomes Project 0.00060.
gnomAD v4.1: 83 of 1,614,130 alleles (0.0051%); highest among the groups gnomAD compares: African/African-American, 0.099%; no homozygotes.

Submission:

PreventionGenetics, part of Exact Sciences
Classification: Likely benign for ITGAV-related condition. Last evaluated: 2022-03-11. Review status: no assertion criteria provided. Collection method: clinical testing. Allele origin: germline.
Comment: This variant is classified as likely benign based on ACMG/AMP sequence variant interpretation guidelines (Richards et al. 2015 PMID: 25741868, with internal and published modifications).

NM_002210.5(ITGAV):c.1053A>G (p.Arg351=)

Genes: FAM171B-AS1 (FAM171B and ITGAV antisense RNA 1; minus strand), ITGAV (integrin subunit alpha V; plus strand). Cytogenetic location: 2q32.1.
Variant type: single nucleotide variant.
Coding change: c.1053A>G on transcript NM_002210.5 (MANE Select); coding-DNA position 1053, A replaced by G.
Protein change: p.Arg351=; no amino-acid change (arginine 351 retained).
Molecular consequence: synonymous variant.
Genome position (GRCh38, 1-based): chr2:186,641,482, A>G. VCF-style: chr2-186641482-A-G. GRCh37 (hg19) VCF-style: chr2-187506209-A-G.
Other names: c.915A>G, p.Arg305= (NM_001144999.3); c.945A>G, p.Arg315= (NM_001145000.3).
Identifiers: ClinVar variation 3038602 (VCV003038602.2), dbSNP rs140516074, ClinGen allele CA2018775.
Genomic context (GRCh38, chr2:186,641,482, plus strand): 5'-GGATCGTGGCTCTGATGGCAAACTCCAAGAGGTGGGGCAGGTCTCAGTGTCTCTACAGAG[A>G]GCTTCAGGAGACTTCCAGACGACAAAGCTGAATGGATTTGAGGTCTTTGCACGGTTTGGC-3'
Protein context (NP_002201.2, residues 341-361): EVGQVSVSLQ[Arg351=]ASGDFQTTKL